The following is an entry in ClinVar:

ClinVar aggregate classification (germline): Uncertain significance (1 of 4 stars; one submission).

Submission:

Labcorp Genetics (formerly Invitae), Labcorp
Classification: Uncertain significance. Last evaluated: 2022-12-03. Review status: criteria provided, single submitter. Criteria: Invitae Variant Classification Sherloc (09022015). Collection method: clinical testing. Allele origin: germline.
Comment: This variant is not present in population databases (gnomAD no frequency). In summary, the available evidence is currently insufficient to determine the role of this variant in disease. Therefore, it has been classified as a Variant of Uncertain Significance. Algorithms developed to predict the effect of missense changes on protein structure and function are either unavailable or do not agree on the potential impact of this missense change (SIFT: "Deleterious"; PolyPhen-2: "Probably Damaging"; Align-GVGD: "Class C0"). This variant has not been reported in the literature in individuals affected with MECOM-related conditions. This sequence change replaces serine, which is neutral and polar, with cysteine, which is neutral and slightly polar, at codon 376 of the MECOM protein (p.Ser376Cys).

NM_004991.4(MECOM):c.1691C>G (p.Ser564Cys)

Gene: MECOM (MDS1 and EVI1 complex locus; minus strand). Cytogenetic location: 3q26.2.
Variant type: single nucleotide variant.
Coding change: c.1691C>G on transcript NM_004991.4 (MANE Select); coding-DNA position 1691, C replaced by G.
Protein change: p.Ser564Cys; replaces serine 564 with cysteine.
Molecular consequence: missense variant. On other transcripts: intron variant (2).
Genome position (GRCh38, 1-based): chr3:169,116,181, G>C on the plus strand (C>G on the coding strand, the complement: MECOM is on the minus strand). VCF-style: chr3-169116181-G-C. GRCh37 (hg19) VCF-style: chr3-168833969-G-C.
Other names: c.1322C>G, p.Ser441Cys (NM_001105077.4); c.1127C>G, p.Ser376Cys (NM_001105078.4, NM_001164000.2, NM_001205194.2 and 4 more transcripts); c.1130C>G, p.Ser377Cys (NM_001163999.2, NM_001366467.2, NM_001366468.2 and 1 more transcripts); c.1691C>G, p.Ser564Cys (NM_001366466.2); c.1133-414C>G (NM_001366473.2); c.569-414C>G (NM_001366474.2); short protein forms S376C, S441C, S564C, S377C.
Identifiers: ClinVar variation 2818329 (VCV002818329.3), dbSNP rs2549410211, ClinGen allele CA355061658.
Genomic context (GRCh38, chr3:169,116,181, plus strand): 5'-TCATCAAGGTCACTACTCTCTGACTGGTCACTGATTTTCTCAAAGGGCCTCTCTTCAGAG[G>C]ACCTCTCGGGCTGGAGCTCCACTGGCTTATTGTCCCCTACAGATGGGTGTTTAGATAGTG-3'
Protein context (NP_004982.2, residues 554-574): NKPVELQPER[Ser564Cys]SEERPFEKIS